The following is an entry in ClinVar:

NM_018179.5(ATF7IP):c.1589A>G (p.Lys530Arg)

Gene: ATF7IP (activating transcription factor 7 interacting protein; plus strand). Cytogenetic location: 12p13.1.
Variant type: single nucleotide variant.
Coding change: c.1589A>G on transcript NM_018179.5 (MANE Select); coding-DNA position 1589, A replaced by G.
Protein change: p.Lys530Arg; replaces lysine 530 with arginine.
Molecular consequence: missense variant. On other transcripts: non-coding transcript variant (1).
Genome position (GRCh38, 1-based): chr12:14,434,367, A>G. VCF-style: chr12-14434367-A-G. GRCh37 (hg19) VCF-style: chr12-14587301-A-G.
Other names: c.1586A>G, p.Lys529Arg (NM_001286514.2, NM_001286515.2, NM_001388184.1); c.1610A>G, p.Lys537Arg (NM_001388179.1); c.1589A>G, p.Lys530Arg (NM_001388180.1, NM_001388181.1, NM_001388182.1 and 1 more transcripts); c.1613A>G, p.Lys538Arg (NM_181352.2); short protein forms K529R, K530R, K537R, K538R.
Identifiers: ClinVar variation 1271269 (VCV001271269.2), dbSNP rs3213764, ClinGen allele CA6461761.

ClinVar aggregate classification (germline): Benign. Review status: criteria provided, multiple submitters, no conflicts (2 of 4 stars). 2 submissions from 2 submitters: Benign (2). Last evaluated 2020-10-28.

Allele frequency attached by ClinVar (database versions not stated): TOPMed 0.40186; ESP Exome Variant Server 0.42242; gnomAD 0.42324 and 0.42726; 1000 Genomes Project 30x 0.43285; 1000 Genomes Project 0.43950; gnomAD exomes 0.46538; ExAC 0.47136.
gnomAD v4.1: 722,046 of 1,571,092 alleles (46%); highest among the groups gnomAD compares: East Asian, 62%; 170,778 homozygotes.

Submissions (2):

GeneDx
Classification: Benign. Last evaluated: 2020-10-28. Review status: criteria provided, single submitter. Criteria: GeneDx Variant Classification Process June 2021. Collection method: clinical testing. Allele origin: germline. Affected: yes.
Comment: This variant is associated with the following publications: (PMID: 23359319)

Breakthrough Genomics
Classification: Benign. Review status: criteria provided, single submitter. Criteria: ACMG Guidelines, 2015. Collection method: not provided. Allele origin: germline. Inheritance: Unknown mechanism. Affected: yes.